The following is an entry in ClinVar:

NM_020911.2(PLXNA4):c.3178G>A (p.Val1060Ile)

Gene: PLXNA4 (plexin A4; minus strand). Cytogenetic location: 7q32.3.
Variant type: single nucleotide variant.
Coding change: c.3178G>A on transcript NM_020911.2 (MANE Select); coding-DNA position 3178, G replaced by A.
Protein change: p.Val1060Ile; replaces valine 1060 with isoleucine.
Molecular consequence: missense variant.
Genome position (GRCh38, 1-based): chr7:132,182,171, C>T on the plus strand (G>A on the coding strand, the complement: PLXNA4 is on the minus strand). VCF-style: chr7-132182171-C-T. GRCh37 (hg19) VCF-style: chr7-131866930-C-T.
Other names: c.3178G>A, p.Val1060Ile (NM_001393897.1); short protein forms V1060I.
Identifiers: ClinVar variation 3043510 (VCV003043510.3), dbSNP rs200738128, ClinGen allele CA4489569.

ClinVar aggregate classification (germline): Uncertain significance (1 of 4 stars; one submission).

Conditions:
PLXNA4-related disorder. Also called: PLXNA4-related condition.

Allele frequency attached by ClinVar (database versions not stated): gnomAD exomes 0.00006; ESP Exome Variant Server 0.00008; gnomAD 0.00008; TOPMed 0.00008; ExAC 0.00011.
gnomAD v4.1: 103 of 1,613,984 alleles (0.0064%); highest among the groups gnomAD compares: Middle Eastern, 0.016%; no homozygotes.

Submission:

PreventionGenetics, part of Exact Sciences
Classification: Uncertain significance for PLXNA4-related condition. Last evaluated: 2026-05-26. Review status: criteria provided, single submitter. Criteria: ACMG Guidelines, 2015. Collection method: clinical testing. Allele origin: germline.
Comment: The PLXNA4 c.3178G>A variant is predicted to result in the amino acid substitution p.Val1060Ile. To our knowledge, this variant has not been reported in the literature. This variant is reported in 0.016% of alleles in individuals of European (Non-Finnish) descent in gnomAD. At this time, the clinical significance of this variant is uncertain due to the absence of conclusive functional and genetic evidence.